The following is an entry in ClinVar:

ClinVar aggregate classification (germline): Uncertain significance. Review status: criteria provided, single submitter (1 of 4 stars). 2 submissions from 2 submitters: Uncertain significance (1). 1 of the submissions does not count toward it. Last evaluated 2024-08-31.

Conditions:
Congenital myasthenic syndrome (CMS). Also called: Congenital Myasthenic Syndromes. Identifiers: Orphanet 590, MedGen C0751882, MeSH D020294, MONDO:0018940.
Congenital myasthenic syndrome 4A. Also called: MYASTHENIC SYNDROME, CONGENITAL, 4A, SLOW-CHANNEL, AUTOSOMAL RECESSIVE; Myasthenic syndrome, congenital, 4a, slow-channel; CONGENITAL MYASTHENIC SYNDROME TYPE Ia1. Identifiers: Orphanet 590, MedGen C4225413, MONDO:0011600, OMIM 605809.

Allele frequency attached by ClinVar (database versions not stated): gnomAD exomes below 0.00001; TOPMed below 0.00001.
gnomAD v4.1: 6 of 1,605,912 alleles (0.00037%); highest among the groups gnomAD compares: Admixed American, 0.0017%; no homozygotes.

Submissions (2):

Labcorp Genetics (formerly Invitae), Labcorp
Classification: Uncertain significance for Congenital myasthenic syndrome 4A. Last evaluated: 2024-08-31. Review status: criteria provided, single submitter. Criteria: Invitae Variant Classification Sherloc (09022015). Collection method: clinical testing. Allele origin: germline.
Comment: This sequence change replaces isoleucine, which is neutral and non-polar, with valine, which is neutral and non-polar, at codon 207 of the CHRNE protein (p.Ile207Val). This variant is present in population databases (no rsID available, gnomAD 0.003%). This variant has not been reported in the literature in individuals affected with CHRNE-related conditions. ClinVar contains an entry for this variant (Variation ID: 959930). Invitae Evidence Modeling of protein sequence and biophysical properties (such as structural, functional, and spatial information, amino acid conservation, physicochemical variation, residue mobility, and thermodynamic stability) has been performed for this missense variant. However, the output from this modeling did not meet the statistical confidence thresholds required to predict the impact of this variant on CHRNE protein function. In summary, the available evidence is currently insufficient to determine the role of this variant in disease. Therefore, it has been classified as a Variant of Uncertain Significance.

Natera, Inc.
Classification: Uncertain significance for Congenital myasthenic syndrome. Last evaluated: 2020-03-11. Review status: no assertion criteria provided. Collection method: clinical testing. Allele origin: germline. Not counted in ClinVar's aggregate classification.

NM_000080.4(CHRNE):c.619A>G (p.Ile207Val)

Genes: CHRNE (cholinergic receptor nicotinic epsilon subunit; minus strand), C17orf107 (chromosome 17 open reading frame 107; plus strand). Cytogenetic location: 17p13.2.
Variant type: single nucleotide variant.
Coding change: c.619A>G on transcript NM_000080.4 (MANE Select); coding-DNA position 619, A replaced by G.
Protein change: p.Ile207Val; replaces isoleucine 207 with valine.
Molecular consequence: missense variant. On other transcripts: 3 prime UTR variant (1).
Genome position (GRCh38, 1-based): chr17:4,901,173, T>C on the plus strand (A>G on the coding strand, the complement: CHRNE is on the minus strand). VCF-style: chr17-4901173-T-C. GRCh37 (hg19) VCF-style: chr17-4804468-T-C.
Other names: c.*640T>C (NM_001145536.2); short protein forms I207V.
Identifiers: ClinVar variation 959930 (VCV000959930.10), dbSNP rs1422386099, ClinGen allele CA397305279.